The following is an entry in ClinVar:

NM_004973.4(JARID2):c.508C>T (p.Pro170Ser)

Gene: JARID2 (jumonji and AT-rich interaction domain containing 2; plus strand). Cytogenetic location: 6p22.3.
Variant type: single nucleotide variant.
Coding change: c.508C>T on transcript NM_004973.4 (MANE Select); coding-DNA position 508, C replaced by T.
Protein change: p.Pro170Ser; replaces proline 170 with serine.
Molecular consequence: missense variant. On other transcripts: 5 prime UTR variant (1).
Genome position (GRCh38, 1-based): chr6:15,468,556, C>T. VCF-style: chr6-15468556-C-T. GRCh37 (hg19) VCF-style: chr6-15468787-C-T.
Other names: c.-9C>T (NM_001267040.1); short protein forms P170S.
Identifiers: ClinVar variation 3365498 (VCV003365498.2).

ClinVar aggregate classification (germline): Uncertain significance (1 of 4 stars; one submission).

gnomAD v4.1: 1 of 1,613,578 alleles (0.000062%); highest among the groups gnomAD compares: Non-Finnish European, 0.000085%; no homozygotes.

Submission:

GeneDx
Classification: Uncertain significance. Last evaluated: 2026-03-23. Review status: criteria provided, single submitter. Criteria: GeneDx Variant Classification Process June 2021. Collection method: clinical testing. Allele origin: germline.
Comment: Has not been previously published as pathogenic or benign to our knowledge; Not observed at significant frequency in large population cohorts (gnomAD); In silico analysis suggests that this missense variant does not alter protein structure/function